The following is an entry in ClinVar:

ClinVar aggregate classification (germline): Uncertain significance (1 of 4 stars; one submission).

Conditions:
Cardiovascular phenotype. Identifiers: MedGen CN230736.

Allele frequency attached by ClinVar (database versions not stated): TOPMed below 0.00001.

Submission:

Ambry Genetics
Classification: Uncertain significance for Cardiovascular phenotype. Last evaluated: 2020-09-28. Review status: criteria provided, single submitter. Criteria: Ambry Variant Classification Scheme 2023. Collection method: clinical testing. Allele origin: germline.
Comment: The p.K890R variant (also known as c.2669A>G), located in coding exon 11 of the MYPN gene, results from an A to G substitution at nucleotide position 2669. The lysine at codon 890 is replaced by arginine, an amino acid with highly similar properties. This amino acid position is highly conserved in available vertebrate species. In addition, this alteration is predicted to be tolerated by in silico analysis. Since supporting evidence is limited at this time, the clinical significance of this alteration remains unclear.

NM_032578.4(MYPN):c.2669A>G (p.Lys890Arg)

Gene: MYPN (myopalladin; plus strand). Cytogenetic location: 10q21.3.
Variant type: single nucleotide variant.
Coding change: c.2669A>G on transcript NM_032578.4 (MANE Select); coding-DNA position 2669, A replaced by G.
Protein change: p.Lys890Arg; replaces lysine 890 with arginine.
Molecular consequence: missense variant. On other transcripts: non-coding transcript variant (1).
Genome position (GRCh38, 1-based): chr10:68,175,427, A>G. VCF-style: chr10-68175427-A-G. GRCh37 (hg19) VCF-style: chr10-69935184-A-G.
Other names: c.2669A>G, p.Lys890Arg (NM_001256267.2); c.1787A>G, p.Lys596Arg (NM_001256268.2); short protein forms K890R, K596R.
Identifiers: ClinVar variation 1794519 (VCV001794519.2), dbSNP rs777239593, ClinGen allele CA376849339.
Genomic context (GRCh38, chr10:68,175,427, plus strand): 5'-CAGTGAATGATGATAACATTCGTGAAACTAAGAACGCAGTGATTCGAGACTTGGGGAAAA[A>G]AATAACTTTCAGTGATGTCAGACCAAACCAGCAGGTAAGATTGTTGGATTTAGAAGGTTT-3'
Protein context (NP_115967.2, residues 880-900): KNAVIRDLGK[Lys890Arg]ITFSDVRPNQ